The following is an entry in ClinVar:

NM_000218.3(KCNQ1):c.1514+36564T>A

Genes: KCNQ1 (potassium voltage-gated channel subfamily Q member 1; plus strand), KCNQ1OT1 (KCNQ1 opposite strand/antisense transcript 1; minus strand). Cytogenetic location: 11p15.5.
Variant type: single nucleotide variant.
Coding change: c.1514+36564T>A on transcript NM_000218.3 (MANE Select); 36564 bases into the intron after coding-DNA position 1514, T replaced by A.
Molecular consequence: intron variant. On other transcripts: non-coding transcript variant (1).
Genome position (GRCh38, 1-based): chr11:2,698,645, T>A. VCF-style: chr11-2698645-T-A. GRCh37 (hg19) VCF-style: chr11-2719875-T-A.
Other names: c.1244+36564T>A (NM_001406837.1); c.1418+36564T>A (NM_001406836.1); c.974+36564T>A (NM_001406838.1); c.1133+36564T>A (NM_181798.2).
Identifiers: ClinVar variation 3042397 (VCV003042397.2), dbSNP rs184132449, ClinGen allele CA216197683.

ClinVar aggregate classification (germline): Likely benign (0 of 4 stars; one submission).

Conditions:
KCNQ1-related disorder. Also called: KCNQ1-related condition; KCNQ1-related disorders. Identifiers: MedGen CN239322.

Allele frequency attached by ClinVar (database versions not stated): gnomAD exomes 0.00009; gnomAD 0.00079; TOPMed 0.00083; 1000 Genomes Project 30x 0.00172; 1000 Genomes Project 0.00200.
gnomAD v4.1: 149 of 397,614 alleles (0.037%); highest among the groups gnomAD compares: African/African-American, 0.26%; no homozygotes.

Submission:

PreventionGenetics, part of Exact Sciences
Classification: Likely benign for KCNQ1-related condition. Last evaluated: 2020-12-16. Review status: no assertion criteria provided. Collection method: clinical testing. Allele origin: germline.
Comment: This variant is classified as likely benign based on ACMG/AMP sequence variant interpretation guidelines (Richards et al. 2015 PMID: 25741868, with internal and published modifications).